The following is an entry in ClinVar:

NM_005188.4(CBL):c.2699C>T (p.Ser900Phe)

Gene: CBL (Cbl proto-oncogene; plus strand). Cytogenetic location: 11q23.3.
Variant type: single nucleotide variant.
Coding change: c.2699C>T on transcript NM_005188.4 (MANE Select); coding-DNA position 2699, C replaced by T.
Protein change: p.Ser900Phe; replaces serine 900 with phenylalanine.
Molecular consequence: missense variant.
Genome position (GRCh38, 1-based): chr11:119,299,759, C>T. VCF-style: chr11-119299759-C-T. GRCh37 (hg19) VCF-style: chr11-119170469-C-T.
Other names: short protein forms S900F.
Identifiers: ClinVar variation 4613856 (VCV004613856.1).

ClinVar aggregate classification (germline): Uncertain significance (1 of 4 stars; one submission).

Conditions:
Cardiovascular phenotype. Identifiers: MedGen CN230736.

gnomAD v4.1: 1 of 1,614,220 alleles (0.000062%); highest among the groups gnomAD compares: South Asian, 0.0011%; no homozygotes.

Submission:

Ambry Genetics
Classification: Uncertain significance for Cardiovascular phenotype. Last evaluated: 2025-11-04. Review status: criteria provided, single submitter. Criteria: Ambry Variant Classification Scheme 2023. Collection method: clinical testing. Allele origin: germline.
Comment: The p.S900F variant (also known as c.2699C>T), located in coding exon 16 of the CBL gene, results from a C to T substitution at nucleotide position 2699. The serine at codon 900 is replaced by phenylalanine, an amino acid with highly dissimilar properties. This amino acid position is conserved. In addition, the in silico prediction for this alteration is inconclusive. Based on the available evidence, the clinical significance of this variant remains unclear.